The following is an entry in ClinVar:

ClinVar aggregate classification (germline): Conflicting classifications of pathogenicity. Review status: criteria provided, conflicting classifications (1 of 4 stars). 7 submissions from 4 submitters: Uncertain significance (6); Benign (1). Last evaluated 2026-01-12.

Conditions:
Congenital myopathy 18. Also called: Myopathy, congenital, due to dihydropyridine receptor defect; DIHYDROPYRIDINE RECEPTOR CONGENITAL MYOPATHY; DHPR CONGENITAL MYOPATHY. Identifiers: MedGen C5830283, MONDO:0859514, OMIM 620246.
Hypokalemic periodic paralysis, type 1. Also called: HypoPP; Hypokalemic Periodic Paralysis Type 1 (AD). Identifiers: Orphanet 681, MedGen C3714580, MONDO:0042979, OMIM 170400.
Thyrotoxic periodic paralysis, susceptibility to, 1 (TTPP1). Identifiers: Orphanet 79102, MedGen C2749982, MONDO:0008570, OMIM 188580.
Malignant hyperthermia, susceptibility to, 5 (MHS5). Also called: CACNA1S-Related Malignant Hyperthermia Susceptibility. Identifiers: Orphanet 423, MedGen C1866077, MONDO:0011163, OMIM 601887.

Allele frequency attached by ClinVar (database versions not stated): ExAC below 0.00001; gnomAD 0.00001; gnomAD exomes 0.00003 and 0.00017; TOPMed 0.00010.
gnomAD v4.1: 41 of 1,552,392 alleles (0.0026%); highest among the groups gnomAD compares: Admixed American, 0.078%; no homozygotes.

Submissions (7):

Labcorp Genetics (formerly Invitae), Labcorp
Classification: Uncertain significance for Hypokalemic periodic paralysis, type 1; Malignant hyperthermia, susceptibility to, 5. Last evaluated: 2026-01-12. Review status: criteria provided, single submitter. Criteria: Invitae Variant Classification Sherloc (09022015). Collection method: clinical testing. Allele origin: germline.
Comment: This sequence change falls in intron 17 of the CACNA1S gene. It does not directly change the encoded amino acid sequence of the CACNA1S protein. It affects a nucleotide within the consensus splice site. This variant is present in population databases (rs774194599, gnomAD 0.1%). This variant has not been reported in the literature in individuals affected with CACNA1S-related conditions. ClinVar contains an entry for this variant (Variation ID: 581690). Variants that disrupt the consensus splice site are a relatively common cause of aberrant splicing (PMID: 17576681, 9536098). Algorithms developed to predict the effect of sequence changes on RNA splicing suggest that this variant is not likely to affect RNA splicing. In summary, the available evidence is currently insufficient to determine the role of this variant in disease. Therefore, it has been classified as a Variant of Uncertain Significance.

Color Diagnostics, LLC DBA Color Health
Classification: Benign for Malignant hyperthermia, susceptibility to, 5. Last evaluated: 2023-06-16. Review status: criteria provided, single submitter. Criteria: ACMG Guidelines, 2015. Collection method: clinical testing. Allele origin: germline.

Genome-Nilou Lab
Classification: Uncertain significance for Malignant hyperthermia, susceptibility to, 5. Last evaluated: 2023-04-11. Review status: criteria provided, single submitter. Criteria: ACMG Guidelines, 2015. Collection method: clinical testing. Allele origin: germline. Affected: no.

Genome-Nilou Lab
Classification: Uncertain significance for Thyrotoxic periodic paralysis, susceptibility to, 1. Last evaluated: 2023-04-11. Review status: criteria provided, single submitter. Criteria: ACMG Guidelines, 2015. Collection method: clinical testing. Allele origin: germline. Affected: no.

Genome-Nilou Lab
Classification: Uncertain significance for Congenital myopathy 18. Last evaluated: 2023-04-11. Review status: criteria provided, single submitter. Criteria: ACMG Guidelines, 2015. Collection method: clinical testing. Allele origin: germline. Affected: no.

Genome-Nilou Lab
Classification: Uncertain significance for Hypokalemic periodic paralysis, type 1. Last evaluated: 2023-04-11. Review status: criteria provided, single submitter. Criteria: ACMG Guidelines, 2015. Collection method: clinical testing. Allele origin: germline. Affected: no.

Fulgent Genetics
Classification: Uncertain significance for Hypokalemic periodic paralysis, type 1; Thyrotoxic periodic paralysis, susceptibility to, 1; Malignant hyperthermia, susceptibility to, 5. Last evaluated: 2021-12-23. Review status: criteria provided, single submitter. Criteria: ACMG Guidelines, 2015. Collection method: clinical testing. Allele origin: unknown.

Literature cited by the submitters: PubMed 17576681 (cited by Labcorp Genetics (formerly Invitae), Labcorp); PubMed 9536098 (cited by Labcorp Genetics (formerly Invitae), Labcorp).

NM_000069.3(CACNA1S):c.2361-3C>T

Gene: CACNA1S (calcium voltage-gated channel subunit alpha1 S; minus strand). Cytogenetic location: 1q32.1.
Variant type: single nucleotide variant.
Coding change: c.2361-3C>T on transcript NM_000069.3 (MANE Select); 3 bases into the intron before coding-DNA position 2361, C replaced by T.
Molecular consequence: intron variant.
Genome position (GRCh38, 1-based): chr1:201,069,604, G>A on the plus strand (C>T on the coding strand, the complement: CACNA1S is on the minus strand). VCF-style: chr1-201069604-G-A. GRCh37 (hg19) VCF-style: chr1-201038732-G-A.
Identifiers: ClinVar variation 581690 (VCV000581690.13), dbSNP rs774194599, ClinGen allele CA078961.